The following is an entry in ClinVar:

NM_032638.5(GATA2):c.*94C>T

Gene: GATA2 (GATA binding protein 2; minus strand). Cytogenetic location: 3q21.3.
Variant type: single nucleotide variant.
Coding change: c.*94C>T on transcript NM_032638.5 (MANE Select); 94 bases downstream of the stop codon, C replaced by T.
Molecular consequence: 3 prime UTR variant.
Genome position (GRCh38, 1-based): chr3:128,480,925, G>A on the plus strand (C>T on the coding strand, the complement: GATA2 is on the minus strand). VCF-style: chr3-128480925-G-A. GRCh37 (hg19) VCF-style: chr3-128199768-G-A.
Other names: c.*94C>T (NM_001145661.2, NM_001145662.1).
Identifiers: ClinVar variation 343131 (VCV000343131.5), dbSNP rs79350619, ClinGen allele CA10617216.

ClinVar aggregate classification (germline): Benign (1 of 4 stars; one submission).

Conditions:
Deafness-lymphedema-leukemia syndrome. Also called: Lymphedema, primary, with myelodysplasia; Emberger syndrome. Identifiers: Orphanet 3226, MedGen C3279664, MONDO:0013540, OMIM 614038.

Allele frequency attached by ClinVar (database versions not stated): TOPMed 0.00020; gnomAD exomes 0.00143; gnomAD 0.00019 and 0.00063; 1000 Genomes Project 30x 0.00390; 1000 Genomes Project 0.00479.
gnomAD v4.1: 1,787 of 1,368,846 alleles (0.13%); highest among the groups gnomAD compares: East Asian, 4.4%; 76 homozygotes.

Submission:

Illumina Laboratory Services, Illumina
Classification: Benign for Deafness-lymphedema-leukemia syndrome. Last evaluated: 2018-01-13. Review status: criteria provided, single submitter. Criteria: ICSL Variant Classification Criteria 13 December 2019. Collection method: clinical testing. Allele origin: germline.
Comment: This variant was observed in the ICSL laboratory as part of a predisposition screen in an ostensibly healthy population. It had not been previously curated by ICSL or reported in the Human Gene Mutation Database (HGMD: prior to June 1st, 2018), and was therefore a candidate for classification through an automated scoring system. Utilizing variant allele frequency, disease prevalence and penetrance estimates, and inheritance mode, an automated score was calculated to assess if this variant is too frequent to cause the disease. Based on the score and internal cut-off values, a variant classified as benign is not then subjected to further curation. The score for this variant resulted in a classification of benign for this disease.